The following is an entry in ClinVar:

NM_004415.4(DSP):c.4683C>G (p.Asn1561Lys)

Gene: DSP (desmoplakin; plus strand). Cytogenetic location: 6p24.3.
Variant type: single nucleotide variant.
Coding change: c.4683C>G on transcript NM_004415.4 (MANE Select); coding-DNA position 4683, C replaced by G.
Protein change: p.Asn1561Lys; replaces asparagine 1561 with lysine.
Molecular consequence: missense variant. On other transcripts: intron variant (2).
Genome position (GRCh38, 1-based): chr6:7,580,873, C>G. VCF-style: chr6-7580873-C-G. GRCh37 (hg19) VCF-style: chr6-7581106-C-G.
Other names: c.4050+633C>G (NM_001319034.2); c.3582+1101C>G (NM_001008844.3); short protein forms N1561K.
Identifiers: ClinVar variation 2933927 (VCV002933927.3), dbSNP rs2533929839, ClinGen allele CA362686930.

ClinVar aggregate classification (germline): Uncertain significance (1 of 4 stars; one submission).

Conditions:
Arrhythmogenic cardiomyopathy with wooly hair and keratoderma. Also called: Arrhythmogenic cardiomyopathy with woolly hair and keratoderma; PALMOPLANTAR KERATODERMA WITH LEFT VENTRICULAR CARDIOMYOPATHY AND WOOLLY HAIR; Carvajal syndrome; Dilated cardiomyopathy with woolly hair and keratoderma. Identifiers: Orphanet 65282, MedGen C1854063, MONDO:0011581, OMIM 605676.
Arrhythmogenic right ventricular dysplasia 8 (ARVD8). Also called: Arrhythmogenic Right Ventricular Dysplasia/Cardiomyopathy 8; ARRHYTHMOGENIC RIGHT VENTRICULAR DYSPLASIA, FAMILIAL, 8; ARRHYTHMOGENIC RIGHT VENTRICULAR CARDIOMYOPATHY 8. Identifiers: MedGen C1843896, MONDO:0011831, OMIM 607450.

Submission:

Labcorp Genetics (formerly Invitae), Labcorp
Classification: Uncertain significance for Arrhythmogenic cardiomyopathy with wooly hair and keratoderma; Arrhythmogenic right ventricular dysplasia 8. Last evaluated: 2022-12-30. Review status: criteria provided, single submitter. Criteria: Invitae Variant Classification Sherloc (09022015). Collection method: clinical testing. Allele origin: germline.
Comment: This variant has not been reported in the literature in individuals affected with DSP-related conditions. This sequence change replaces asparagine, which is neutral and polar, with lysine, which is basic and polar, at codon 1561 of the DSP protein (p.Asn1561Lys). This variant is not present in population databases (gnomAD no frequency). Algorithms developed to predict the effect of missense changes on protein structure and function (SIFT, PolyPhen-2, Align-GVGD) all suggest that this variant is likely to be tolerated. In summary, the available evidence is currently insufficient to determine the role of this variant in disease. Therefore, it has been classified as a Variant of Uncertain Significance.